The following is an entry in ClinVar:

ClinVar aggregate classification (germline): Benign. Review status: criteria provided, multiple submitters, no conflicts (2 of 4 stars). 4 submissions from 4 submitters: Benign (3). 1 of the submissions does not count toward it. Last evaluated 2026-01-14.

Conditions:
LIG1-related disorder. Also called: LIG1-related condition.

Allele frequency attached by ClinVar (database versions not stated): ExAC 0.00159; gnomAD 0.00398 and 0.00417; TOPMed 0.00414; ESP Exome Variant Server 0.00507; 1000 Genomes Project 30x 0.00812; 1000 Genomes Project 0.00819.
gnomAD v4.1: 1,232 of 1,613,744 alleles (0.076%); highest among the groups gnomAD compares: African/African-American, 1.4%; 13 homozygotes.

Submissions (20):

Labcorp Genetics (formerly Invitae), Labcorp
Classification: Benign. Last evaluated: 2026-01-14. Review status: criteria provided, single submitter. Criteria: Invitae Variant Classification Sherloc (09022015). Collection method: clinical testing. Allele origin: germline.

CeGaT Center for Human Genetics Tuebingen
Classification: Benign. Last evaluated: 2022-06-01. Review status: criteria provided, single submitter. Criteria: CeGaT Center For Human Genetics Tuebingen Variant Classification Criteria Version 2. Collection method: clinical testing. Allele origin: germline. Affected: yes. Observed: 1 variant allele.
Comment: LIG1: BP4, BS1, BS2

Breakthrough Genomics
Classification: Benign. Review status: criteria provided, single submitter. Criteria: ACMG Guidelines, 2015. Collection method: not provided. Allele origin: germline. Inheritance: Autosomal recessive inheritance. Affected: yes.

PreventionGenetics, part of Exact Sciences
Classification: Benign for LIG1-related condition. Last evaluated: 2024-02-26. Review status: no assertion criteria provided. Collection method: clinical testing. Allele origin: germline. Not counted in ClinVar's aggregate classification.
Comment: This variant is classified as benign based on ACMG/AMP sequence variant interpretation guidelines (Richards et al. 2015 PMID: 25741868, with internal and published modifications).

Dr. Peter K. Rogan Lab, Western University
No classification provided (evidence only). Condition: Thyroid cancer, nonmedullary, 1. Review status: no classification provided. Collection method: in vitro. Allele origin: not applicable. Functional consequence: retained intron. Not counted in ClinVar's aggregate classification.

Dr. Peter K. Rogan Lab, Western University
No classification provided (evidence only). Condition: Thyroid cancer, nonmedullary, 1. Review status: no classification provided. Collection method: in vitro. Allele origin: not applicable. Functional consequence: retained intron. Not counted in ClinVar's aggregate classification.

Dr. Peter K. Rogan Lab, Western University
No classification provided (evidence only). Condition: Thyroid cancer, nonmedullary, 1. Review status: no classification provided. Collection method: in vitro. Allele origin: not applicable. Functional consequence: retained intron. Not counted in ClinVar's aggregate classification.

Dr. Peter K. Rogan Lab, Western University
No classification provided (evidence only). Condition: Thyroid cancer, nonmedullary, 1. Review status: no classification provided. Collection method: in vitro. Allele origin: not applicable. Functional consequence: retained intron. Not counted in ClinVar's aggregate classification.

Dr. Peter K. Rogan Lab, Western University
No classification provided (evidence only). Condition: Uterine corpus endometrial carcinoma. Review status: no classification provided. Collection method: in vitro. Allele origin: not applicable. Functional consequence: retained intron. Not counted in ClinVar's aggregate classification.

Dr. Peter K. Rogan Lab, Western University
No classification provided (evidence only). Condition: Uterine corpus endometrial carcinoma. Review status: no classification provided. Collection method: in vitro. Allele origin: not applicable. Functional consequence: retained intron. Not counted in ClinVar's aggregate classification.

Dr. Peter K. Rogan Lab, Western University
No classification provided (evidence only). Condition: Uterine corpus endometrial carcinoma. Review status: no classification provided. Collection method: in vitro. Allele origin: not applicable. Functional consequence: retained intron. Not counted in ClinVar's aggregate classification.

Dr. Peter K. Rogan Lab, Western University
No classification provided (evidence only). Condition: Uterine corpus endometrial carcinoma. Review status: no classification provided. Collection method: in vitro. Allele origin: not applicable. Functional consequence: retained intron. Not counted in ClinVar's aggregate classification.

Dr. Peter K. Rogan Lab, Western University
No classification provided (evidence only). Condition: Cervical cancer. Review status: no classification provided. Collection method: in vitro. Allele origin: not applicable. Functional consequence: retained intron. Not counted in ClinVar's aggregate classification.

Dr. Peter K. Rogan Lab, Western University
No classification provided (evidence only). Condition: Cervical cancer. Review status: no classification provided. Collection method: in vitro. Allele origin: not applicable. Functional consequence: retained intron. Not counted in ClinVar's aggregate classification.

Dr. Peter K. Rogan Lab, Western University
No classification provided (evidence only). Condition: Sarcoma. Review status: no classification provided. Collection method: in vitro. Allele origin: not applicable. Functional consequence: retained intron. Not counted in ClinVar's aggregate classification.

Dr. Peter K. Rogan Lab, Western University
No classification provided (evidence only). Condition: Hepatocellular carcinoma. Review status: no classification provided. Collection method: in vitro. Allele origin: not applicable. Functional consequence: retained intron. Not counted in ClinVar's aggregate classification.

Dr. Peter K. Rogan Lab, Western University
No classification provided (evidence only). Condition: Thymoma. Review status: no classification provided. Collection method: in vitro. Allele origin: not applicable. Functional consequence: retained intron. Not counted in ClinVar's aggregate classification.

Dr. Peter K. Rogan Lab, Western University
No classification provided (evidence only). Condition: Thymoma. Review status: no classification provided. Collection method: in vitro. Allele origin: not applicable. Functional consequence: retained intron. Not counted in ClinVar's aggregate classification.

Dr. Peter K. Rogan Lab, Western University
No classification provided (evidence only). Condition: Gastric cancer. Review status: no classification provided. Collection method: in vitro. Allele origin: not applicable. Functional consequence: retained intron. Not counted in ClinVar's aggregate classification.

Dr. Peter K. Rogan Lab, Western University
No classification provided (evidence only). Condition: Colon adenocarcinoma. Review status: no classification provided. Collection method: in vitro. Allele origin: not applicable. Functional consequence: retained intron. Not counted in ClinVar's aggregate classification.

NM_000234.3(LIG1):c.2030G>T (p.Arg677Leu)

Gene: LIG1 (DNA ligase 1; minus strand). Cytogenetic location: 19q13.33.
Variant type: single nucleotide variant.
Coding change: c.2030G>T on transcript NM_000234.3 (MANE Select); coding-DNA position 2030, G replaced by T.
Protein change: p.Arg677Leu; replaces arginine 677 with leucine.
Molecular consequence: missense variant. On other transcripts: non-coding transcript variant (6).
Genome position (GRCh38, 1-based): chr19:48,123,293, C>A on the plus strand (G>T on the coding strand, the complement: LIG1 is on the minus strand). VCF-style: chr19-48123293-C-A. GRCh37 (hg19) VCF-style: chr19-48626550-C-A.
Other names: c.1937G>T, p.Arg646Leu (NM_001289063.2); c.1826G>T, p.Arg609Leu (NM_001289064.2); c.2027G>T, p.Arg676Leu (NM_001320970.2); c.1940G>T, p.Arg647Leu (NM_001320971.2); short protein forms R676L, R646L, R647L, R677L, R609L.
Identifiers: ClinVar variation 788029 (VCV000788029.35), dbSNP rs3731008, ClinGen allele CA9546575.